The following is an entry in ClinVar:

NM_033028.5(BBS4):c.791G>A (p.Cys264Tyr)

Gene: BBS4 (Bardet-Biedl syndrome 4; plus strand). Cytogenetic location: 15q24.1.
Variant type: single nucleotide variant.
Coding change: c.791G>A on transcript NM_033028.5 (MANE Select); coding-DNA position 791, G replaced by A.
Protein change: p.Cys264Tyr; replaces cysteine 264 with tyrosine.
Molecular consequence: missense variant. On other transcripts: non-coding transcript variant (2).
Genome position (GRCh38, 1-based): chr15:72,731,384, G>A. VCF-style: chr15-72731384-G-A. GRCh37 (hg19) VCF-style: chr15-73023725-G-A.
Other names: c.275G>A, p.Cys92Tyr (NM_001252678.2); c.722G>A, p.Cys241Tyr (NM_001320665.2); short protein forms C241Y, C264Y, C92Y.
Identifiers: ClinVar variation 3345021 (VCV003345021.1).

ClinVar aggregate classification (germline): Uncertain significance (0 of 4 stars; one submission).

Conditions:
BBS4-related disorder. Also called: BBS4-related condition.

gnomAD v4.1: 4 of 1,584,728 alleles (0.00025%); highest among the groups gnomAD compares: African/African-American, 0.0027%; no homozygotes.

Submission:

PreventionGenetics, part of Exact Sciences
Classification: Uncertain significance for BBS4-related condition. Last evaluated: 2024-09-18. Review status: no assertion criteria provided. Collection method: clinical testing. Allele origin: germline.
Comment: The BBS4 c.791G>A variant is predicted to result in the amino acid substitution p.Cys264Tyr. To our knowledge, this variant has not been reported in the literature. This variant is reported in 0.0% of alleles in individuals of African descent in gnomAD. At this time, the clinical significance of this variant is uncertain due to the absence of conclusive functional and genetic evidence.